The following is an entry in ClinVar:

NM_000188.3(HK1):c.1274G>A (p.Arg425Gln)

Gene: HK1 (hexokinase 1; plus strand). Cytogenetic location: 10q22.1.
Variant type: single nucleotide variant.
Coding change: c.1274G>A on transcript NM_000188.3 (MANE Select); coding-DNA position 1274, G replaced by A.
Protein change: p.Arg425Gln; replaces arginine 425 with glutamine.
Molecular consequence: missense variant.
Genome position (GRCh38, 1-based): chr10:69,382,495, G>A. VCF-style: chr10-69382495-G-A. GRCh37 (hg19) VCF-style: chr10-71142251-G-A.
Other names: c.1286G>A, p.Arg429Gln (NM_001322364.2, NM_001358263.1, NM_033497.3 and 1 more transcripts); c.1379G>A, p.Arg460Gln (NM_001322365.2); c.1190G>A, p.Arg397Gln (NM_001322366.1); c.1178G>A, p.Arg393Gln (NM_001322367.1); c.1271G>A, p.Arg424Gln (NM_033496.3); c.1238G>A, p.Arg413Gln (NM_033500.2); c.1274G>A (NM_000188.2); short protein forms R393Q, R397Q, R413Q, R424Q, R425Q, R429Q, R460Q.
Identifiers: ClinVar variation 1163915 (VCV001163915.20), dbSNP rs779828856, ClinGen allele CA5532572.

ClinVar aggregate classification (germline): Uncertain significance. Review status: criteria provided, multiple submitters, no conflicts (2 of 4 stars). 7 submissions from 7 submitters: Uncertain significance (7). Last evaluated 2026-07-13.

Conditions:
Neurodevelopmental disorder with visual defects and brain anomalies. Identifiers: MedGen C5231404, MONDO:0032807, OMIM 618547.
HK1-related disorder. Also called: HK1-related condition; HK1-related disorders.

Allele frequency attached by ClinVar (database versions not stated): ExAC 0.00002; gnomAD exomes 0.00004; TOPMed 0.00006.
gnomAD v4.1: 16 of 1,614,176 alleles (0.00099%); highest among the groups gnomAD compares: Admixed American, 0.017%; no homozygotes.

Submissions (7):

PreventionGenetics, part of Exact Sciences
Classification: Uncertain significance for HK1-related condition. Last evaluated: 2026-07-13. Review status: criteria provided, single submitter. Criteria: ACMG Guidelines, 2015. Collection method: clinical testing. Allele origin: germline.
Comment: The HK1 c.1274G>A variant is predicted to result in the amino acid substitution p.Arg425Gln. To our knowledge, this variant has not been reported in the literature. This variant is reported in 0.026% of alleles in individuals of Latino descent in gnomAD. At this time, the clinical significance of this variant is uncertain due to the absence of conclusive functional and genetic evidence.

GeneDx
Classification: Uncertain significance. Last evaluated: 2026-02-28. Review status: criteria provided, single submitter. Criteria: GeneDx Variant Classification Process June 2021. Collection method: clinical testing. Allele origin: germline.
Comment: In silico analysis suggests that this missense variant does not alter protein structure/function; Has not been previously published as pathogenic or benign to our knowledge

Labcorp Genetics (formerly Invitae), Labcorp
Classification: Uncertain significance. Last evaluated: 2025-10-01. Review status: criteria provided, single submitter. Criteria: Invitae Variant Classification Sherloc (09022015). Collection method: clinical testing. Allele origin: germline.
Comment: This sequence change replaces arginine, which is basic and polar, with glutamine, which is neutral and polar, at codon 425 of the HK1 protein (p.Arg425Gln). This variant is present in population databases (rs779828856, gnomAD 0.03%). This variant has not been reported in the literature in individuals affected with HK1-related conditions. ClinVar contains an entry for this variant (Variation ID: 1163915). Invitae Evidence Modeling of protein sequence and biophysical properties (such as structural, functional, and spatial information, amino acid conservation, physicochemical variation, residue mobility, and thermodynamic stability) indicates that this missense variant is not expected to disrupt HK1 protein function with a negative predictive value of 80%. In summary, the available evidence is currently insufficient to determine the role of this variant in disease. Therefore, it has been classified as a Variant of Uncertain Significance.

Servicio de Genética Del Instituto Nacional de Salud Del Niño, Ministerio de Salud
Classification: Uncertain significance for Neurodevelopmental disorder with visual defects and brain anomalies. Last evaluated: 2024-11-18. Review status: criteria provided, single submitter. Criteria: ACMG Guidelines, 2015. Collection method: clinical testing. Allele origin: germline. Inheritance: Autosomal dominant inheritance.
Comment: The variant NM_000188.3:c.1274G>A, p.Arg425Gln results in the substitution of arginine by glutamine at position 425 in the protein. Arginine is a positively charged amino acid, while glutamine is neutral, which may affect the protein's structure or function. According to ACMG/AMP guidelines, this variant is classified as PM2 (low frequency in population databases), suggesting it is unlikely to be a benign polymorphism. Additionally, PP2 (conservation of the amino acid across species) supports the possibility that this substitution may have functional consequences. However, due to limited functional or clinical evidence, the variant remains classified as uncertain significance

Revvity Omics, Revvity
Classification: Uncertain significance. Last evaluated: 2023-04-13. Review status: criteria provided, single submitter. Criteria: ACMG Guidelines, 2015. Collection method: clinical testing. Allele origin: germline.

Blueprint Genetics
Classification: Uncertain significance. Last evaluated: 2023-01-31. Review status: criteria provided, single submitter. Criteria: ACMG Guidelines, 2015. Collection method: clinical testing. Allele origin: germline.

Mayo Clinic Laboratories, Mayo Clinic
Classification: Uncertain significance. Last evaluated: 2020-01-18. Review status: criteria provided, single submitter. Criteria: ACMG Guidelines, 2015. Collection method: clinical testing. Allele origin: germline. Observed: 1 variant allele.